The following is an entry in ClinVar:

ClinVar aggregate classification (germline): Likely benign (1 of 4 stars; one submission).

Allele frequency attached by ClinVar (database versions not stated): TOPMed 0.00076; ESP Exome Variant Server 0.00085; gnomAD 0.00098; 1000 Genomes Project 30x 0.00109; gnomAD exomes 0.00129; ExAC 0.00130; 1000 Genomes Project 0.00140.
gnomAD v4.1: 2,034 of 1,614,192 alleles (0.13%); highest among the groups gnomAD compares: South Asian, 0.34%; 6 homozygotes.

Submission:

CeGaT Center for Human Genetics Tuebingen
Classification: Likely benign. Last evaluated: 2022-06-01. Review status: criteria provided, single submitter. Criteria: CeGaT Center For Human Genetics Tuebingen Variant Classification Criteria Version 2. Collection method: clinical testing. Allele origin: germline. Affected: yes. Observed: 1 variant allele.
Comment: IGFN1: BP4, BP7

NM_001164586.2(IGFN1):c.9750G>A (p.Val3250=)

Gene: IGFN1 (immunoglobulin like and fibronectin type III domain containing 1; plus strand). Cytogenetic location: 1q32.1.
Variant type: single nucleotide variant.
Coding change: c.9750G>A on transcript NM_001164586.2 (MANE Select); coding-DNA position 9750, G replaced by A.
Protein change: p.Val3250=; no amino-acid change (valine 3250 retained).
Molecular consequence: synonymous variant.
Genome position (GRCh38, 1-based): chr1:201,217,441, G>A. VCF-style: chr1-201217441-G-A. GRCh37 (hg19) VCF-style: chr1-201186569-G-A.
Other names: c.2379G>A, p.Val793= (NM_001367841.1).
Identifiers: ClinVar variation 2639772 (VCV002639772.24), dbSNP rs148232154, ClinGen allele CA1323380.
Genomic context (GRCh38, chr1:201,217,441, plus strand): 5'-CCACATCCTGGGCTACCTGATCGAGAGGCGTAAGAAGGGGAGCAACACCTGGACGGCAGT[G>A]AACGACCAGCCGGTGCCTGGTGAGCATTGTCCTGGCTTCCAGAGCTTCCTTAGACCCCTC-3'
Protein context (NP_001158058.1, residues 3240-3260): RKKGSNTWTA[Val3250=]NDQPVPERRW